The following is an entry in ClinVar:

ClinVar aggregate classification (germline): Conflicting classifications of pathogenicity. Review status: criteria provided, conflicting classifications (1 of 4 stars). 2 submissions from 2 submitters: Uncertain significance (1); Likely benign (1). Last evaluated 2024-09-20.

Conditions:
Congenital disorder of glycosylation, type ICC. Identifiers: MedGen C5231393, MONDO:0026729, OMIM 301031.
X-linked immunodeficiency with magnesium defect, Epstein-Barr virus infection and neoplasia. Identifiers: Orphanet 317476, MedGen C3275445, MONDO:0010455, OMIM 300853.

Submissions (2):

3billion
Classification: Likely benign for Congenital disorder of glycosylation, type ICC; X-linked immunodeficiency with magnesium defect, Epstein-Barr virus infection and neoplasia. Last evaluated: 2024-09-20. Review status: criteria provided, single submitter. Criteria: ACMG Guidelines, 2015. Collection method: clinical testing. Allele origin: germline. Affected: no.
Comment: The hemizygous variant was found in patients diagnosed with another variant in a different gene, with no symptoms related to the gene containing the hemizygous variant.

Labcorp Genetics (formerly Invitae), Labcorp
Classification: Uncertain significance for X-linked immunodeficiency with magnesium defect, Epstein-Barr virus infection and neoplasia. Last evaluated: 2023-10-04. Review status: criteria provided, single submitter. Criteria: Invitae Variant Classification Sherloc (09022015). Collection method: clinical testing. Allele origin: germline.
Comment: This sequence change replaces methionine, which is neutral and non-polar, with valine, which is neutral and non-polar, at codon 242 of the MAGT1 protein (p.Met242Val). This variant is not present in population databases (gnomAD no frequency). This variant has not been reported in the literature in individuals affected with MAGT1-related conditions. Advanced modeling of protein sequence and biophysical properties (such as structural, functional, and spatial information, amino acid conservation, physicochemical variation, residue mobility, and thermodynamic stability) performed at Invitae indicates that this missense variant is not expected to disrupt MAGT1 protein function. In summary, the available evidence is currently insufficient to determine the role of this variant in disease. Therefore, it has been classified as a Variant of Uncertain Significance.

NM_001367916.1(MAGT1):c.628A>G (p.Met210Val)

Gene: MAGT1 (magnesium transporter 1; minus strand). Cytogenetic location: Xq21.1.
Variant type: single nucleotide variant.
Coding change: c.628A>G on transcript NM_001367916.1 (MANE Select); coding-DNA position 628, A replaced by G.
Protein change: p.Met210Val; replaces methionine 210 with valine.
Molecular consequence: missense variant.
Genome position (GRCh38, 1-based): chrX:77,856,777, T>C on the plus strand (A>G on the coding strand, the complement: MAGT1 is on the minus strand). VCF-style: chrX-77856777-T-C. GRCh37 (hg19) VCF-style: chrX-77112274-T-C.
Other names: c.724A>G, p.Met242Val (NM_032121.5); short protein forms M210V, M242V.
Identifiers: ClinVar variation 2765352 (VCV002765352.4), dbSNP rs2149018217, ClinGen allele CA413713680.